The following is an entry in ClinVar:

NM_000465.4(BARD1):c.1825G>T (p.Val609Phe)

Gene: BARD1 (BRCA1 associated RING domain 1; minus strand). Cytogenetic location: 2q35.
Variant type: single nucleotide variant.
Coding change: c.1825G>T on transcript NM_000465.4 (MANE Select); coding-DNA position 1825, G replaced by T.
Protein change: p.Val609Phe; replaces valine 609 with phenylalanine.
Molecular consequence: missense variant. On other transcripts: non-coding transcript variant (3), intron variant (1).
Genome position (GRCh38, 1-based): chr2:214,745,145, C>A on the plus strand (G>T on the coding strand, the complement: BARD1 is on the minus strand). VCF-style: chr2-214745145-C-A. GRCh37 (hg19) VCF-style: chr2-215609869-C-A.
Other names: c.1768G>T, p.Val590Phe (NM_001282543.2); c.472G>T, p.Val158Phe (NM_001282545.2); c.415G>T, p.Val139Phe (NM_001282548.2); c.365-14637G>T (NM_001282549.2); c.1825G>T (NM_000465.2); short protein forms V139F, V590F, V158F, V609F.
Identifiers: ClinVar variation 1429770 (VCV001429770.10), dbSNP rs1023863994, ClinGen allele CA350452315.

ClinVar aggregate classification (germline): Uncertain significance. Review status: criteria provided, multiple submitters, no conflicts (2 of 4 stars). 2 submissions from 2 submitters: Uncertain significance (2). Last evaluated 2026-07-06.

Conditions:
Hereditary cancer-predisposing syndrome. Also called: Hereditary Cancer Syndrome; Neoplastic Syndromes, Hereditary; Hereditary neoplastic syndrome; Tumor predisposition. Identifiers: Orphanet 140162, MedGen C0027672, MeSH D009386, MONDO:0015356.
Familial cancer of breast. Also called: hereditary breast carcinoma; Hereditary breast cancer; BREAST CANCER, FAMILIAL. Identifiers: Orphanet 227535, MedGen C0346153, MONDO:0016419, OMIM 114480. Disease mechanism: loss of function.

Submissions (2):

Ambry Genetics
Classification: Uncertain significance for Hereditary cancer-predisposing syndrome. Last evaluated: 2026-07-06. Review status: criteria provided, single submitter. Criteria: Ambry Variant Classification Scheme 2023. Collection method: clinical testing. Allele origin: germline.
Comment: The p.V609F variant (also known as c.1825G>T), located in coding exon 9 of the BARD1 gene, results from a G to T substitution at nucleotide position 1825. The valine at codon 609 is replaced by phenylalanine, an amino acid with highly similar properties. This amino acid position is well conserved in available vertebrate species. In addition, this alteration is predicted to be tolerated by in silico analysis. Based on the available evidence, the clinical significance of this variant remains unclear.

Labcorp Genetics (formerly Invitae), Labcorp
Classification: Uncertain significance for Familial cancer of breast. Last evaluated: 2021-02-14. Review status: criteria provided, single submitter. Criteria: Invitae Variant Classification Sherloc (09022015). Collection method: clinical testing. Allele origin: germline.
Comment: This sequence change replaces valine with phenylalanine at codon 609 of the BARD1 protein (p.Val609Phe). The valine residue is highly conserved and there is a small physicochemical difference between valine and phenylalanine. Algorithms developed to predict the effect of missense changes on protein structure and function are either unavailable or do not agree on the potential impact of this missense change (SIFT: "Deleterious"; PolyPhen-2: "Probably Damaging"; Align-GVGD: "Class C0"). This variant has not been reported in the literature in individuals with BARD1-related conditions. This variant is not present in population databases (ExAC no frequency). In summary, the available evidence is currently insufficient to determine the role of this variant in disease. Therefore, it has been classified as a Variant of Uncertain Significance.